The following is an entry in ClinVar:

ClinVar aggregate classification (germline): Uncertain significance (1 of 4 stars; one submission).

gnomAD v4.1: 5 of 1,613,752 alleles (0.00031%); highest among the groups gnomAD compares: South Asian, 0.0055%; no homozygotes.

Submission:

GeneDx
Classification: Uncertain significance. Last evaluated: 2024-08-04. Review status: criteria provided, single submitter. Criteria: GeneDx Variant Classification Process June 2021. Collection method: clinical testing. Allele origin: germline. Affected: yes.
Comment: Not observed at significant frequency in large population cohorts (gnomAD); In silico analysis supports that this missense variant has a deleterious effect on protein structure/function; Has not been previously published as pathogenic or benign to our knowledge

NM_001378778.1(MPDZ):c.5777A>G (p.His1926Arg)

Gene: MPDZ (multiple PDZ domain crumbs cell polarity complex component; minus strand). Cytogenetic location: 9p23.
Variant type: single nucleotide variant.
Coding change: c.5777A>G on transcript NM_001378778.1 (MANE Select); coding-DNA position 5777, A replaced by G.
Protein change: p.His1926Arg; replaces histidine 1926 with arginine.
Molecular consequence: missense variant.
Genome position (GRCh38, 1-based): chr9:13,110,688, T>C on the plus strand (A>G on the coding strand, the complement: MPDZ is on the minus strand). VCF-style: chr9-13110688-T-C. GRCh37 (hg19) VCF-style: chr9-13110687-T-C.
Other names: c.5678A>G, p.His1893Arg (NM_001261406.2, NM_001375416.1, NM_001375417.1 and 1 more transcripts); c.5591A>G, p.His1864Arg (NM_001261407.2, NM_001375419.1); c.5777A>G, p.His1926Arg (NM_001330637.2); c.5876A>G, p.His1959Arg (NM_001375413.1); c.5567A>G, p.His1856Arg (NM_001375420.1, NM_001375421.1, NM_001375422.1 and 2 more transcripts); c.5480A>G, p.His1827Arg (NM_001375425.1, NM_001375426.1); c.5369A>G, p.His1790Arg (NM_001375427.1); c.5690A>G, p.His1897Arg (NM_003829.5); short protein forms H1893R, H1897R, H1926R, H1959R, H1790R, H1827R, H1856R, H1864R.
Identifiers: ClinVar variation 3603170 (VCV003603170.1).
Genomic context (GRCh38, chr9:13,110,688, plus strand): 5'-AATCTTACCTGCATTTCAATGGAGCCAGATGCATTTTTCAGTAGGTTAACTGCTTGGGTG[T>C]GAGTCATGCCCTCAGTGGATGTGCCACAGATGGTGACAATCCTATCCCCAACCTGCAAGG-3'
Protein context (NP_001365707.1, residues 1916-1936): ICGTSTEGMT[His1926Arg]TQAVNLLKNA